The following is an entry in ClinVar:

NM_000059.4(BRCA2):c.7214T>G (p.Val2405Gly)

Gene: BRCA2 (BRCA2 DNA repair associated; plus strand). Cytogenetic location: 13q13.1.
Variant type: single nucleotide variant.
Coding change: c.7214T>G on transcript NM_000059.4 (MANE Select); coding-DNA position 7214, T replaced by G.
Protein change: p.Val2405Gly; replaces valine 2405 with glycine.
Molecular consequence: missense variant.
Genome position (GRCh38, 1-based): chr13:32,355,067, T>G. VCF-style: chr13-32355067-T-G. GRCh37 (hg19) VCF-style: chr13-32929204-T-G.
Other names: short protein forms V2405G.
Identifiers: ClinVar variation 483025 (VCV000483025.6), dbSNP rs1180647652, ClinGen allele CA387740031.

ClinVar aggregate classification (germline): Uncertain significance (1 of 4 stars; one submission).

Conditions:
Hereditary cancer-predisposing syndrome. Also called: Neoplastic Syndromes, Hereditary; Tumor predisposition; Hereditary Cancer Syndrome; Hereditary neoplastic syndrome. Identifiers: Orphanet 140162, MedGen C0027672, MeSH D009386, MONDO:0015356.

Submission:

Ambry Genetics
Classification: Uncertain significance for Hereditary cancer-predisposing syndrome. Last evaluated: 2024-10-14. Review status: criteria provided, single submitter. Criteria: Ambry Variant Classification Scheme 2023. Collection method: clinical testing. Allele origin: germline.
Comment: The p.V2405G variant (also known as c.7214T>G), located in coding exon 13 of the BRCA2 gene, results from a T to G substitution at nucleotide position 7214. The valine at codon 2405 is replaced by glycine, an amino acid with dissimilar properties. This variant was not reported in population based cohorts in the following databases: Database of Single Nucleotide Polymorphisms (dbSNP), NHLBI Exome Sequencing Project (ESP), and 1000 Genomes Project. In the ESP, this variant was not observed in 6503 samples (13006 alleles) with coverage at this position. To date, this alteration has been detected with an allele frequency of approximately 0.0004% (greater than 225000 alleles tested) in our clinical cohort. This amino acid position is well conserved in available vertebrate species. In addition, the in silico prediction for this alteration is inconclusive. Since supporting evidence is limited at this time, the clinical significance of this alteration remains unclear.